The following is an entry in ClinVar:

ClinVar aggregate classification (germline): Uncertain significance (1 of 4 stars; one submission).

Conditions:
Developmental and epileptic encephalopathy, 27 (DEE27). Also called: GRIN2B-Related Neurodevelopmental Disorder; Epileptic encephalopathy, early infantile, 27. Identifiers: Orphanet 3451, MedGen C4015316, MONDO:0014505, OMIM 616139.
Intellectual developmental disorder, autosomal dominant 6, with or without seizures. Also called: Intellectual disability, autosomal dominant 6; GRIN2B-related developmental delay, intellectual disability and autism spectrum disorder. Identifiers: Orphanet 589547, MedGen C3151411, MONDO:0013509, OMIM 613970.

Allele frequency attached by ClinVar (database versions not stated): TOPMed 0.00001; gnomAD 0.00002; ExAC 0.00003.
gnomAD v4.1: 12 of 1,613,972 alleles (0.00074%); highest among the groups gnomAD compares: Admixed American, 0.0017%; no homozygotes.

Submission:

Labcorp Genetics (formerly Invitae), Labcorp
Classification: Uncertain significance for Developmental and epileptic encephalopathy, 27; Intellectual developmental disorder, autosomal dominant 6, with or without seizures. Last evaluated: 2022-08-05. Review status: criteria provided, single submitter. Criteria: Invitae Variant Classification Sherloc (09022015). Collection method: clinical testing. Allele origin: germline.
Comment: This sequence change replaces aspartic acid, which is acidic and polar, with asparagine, which is neutral and polar, at codon 1153 of the GRIN2B protein (p.Asp1153Asn). In summary, the available evidence is currently insufficient to determine the role of this variant in disease. Therefore, it has been classified as a Variant of Uncertain Significance. Advanced modeling of protein sequence and biophysical properties (such as structural, functional, and spatial information, amino acid conservation, physicochemical variation, residue mobility, and thermodynamic stability) performed at Invitae indicates that this missense variant is not expected to disrupt GRIN2B protein function. This variant has not been reported in the literature in individuals affected with GRIN2B-related conditions. This variant is present in population databases (rs764845072, gnomAD 0.006%).

NM_000834.5(GRIN2B):c.3457G>A (p.Asp1153Asn)

Gene: GRIN2B (glutamate ionotropic receptor NMDA type subunit 2B; minus strand). Cytogenetic location: 12p13.1.
Variant type: single nucleotide variant.
Coding change: c.3457G>A on transcript NM_000834.5 (MANE Select); coding-DNA position 3457, G replaced by A.
Protein change: p.Asp1153Asn; replaces aspartic acid 1153 with asparagine.
Molecular consequence: missense variant.
Genome position (GRCh38, 1-based): chr12:13,563,781, C>T on the plus strand (G>A on the coding strand, the complement: GRIN2B is on the minus strand). VCF-style: chr12-13563781-C-T. GRCh37 (hg19) VCF-style: chr12-13716715-C-T.
Other names: c.3457G>A, p.Asp1153Asn (NM_001413992.1); short protein forms D1153N.
Identifiers: ClinVar variation 2181386 (VCV002181386.4), dbSNP rs764845072, ClinGen allele CA6460899.